The following is an entry in ClinVar:

NM_001134363.3(RBM20):c.536_537delinsTT (p.Gly179Val)

Gene: RBM20 (RNA binding motif protein 20; plus strand). Cytogenetic location: 10q25.2.
Variant type: Indel.
Coding change: c.536_537delinsTT on transcript NM_001134363.3 (MANE Select); coding-DNA positions 536 to 537, GC replaced by TT.
Protein change: p.Gly179Val; replaces glycine 179 with valine.
Molecular consequence: missense variant.
Genome position (GRCh38, 1-based): chr10:110,781,145-110,781,146, GC replaced by TT. VCF-style: chr10-110781145-GC-TT. GRCh37 (hg19) VCF-style: chr10-112540903-GC-TT.
Other names: short protein forms G179V.
Identifiers: ClinVar variation 1355023 (VCV001355023.8), dbSNP rs2135041998, ClinGen allele CA2573145559.

ClinVar aggregate classification (germline): Uncertain significance. Review status: criteria provided, multiple submitters, no conflicts (2 of 4 stars). 2 submissions from 2 submitters: Uncertain significance (2). Last evaluated 2025-02-06.

Conditions:
Cardiovascular phenotype. Identifiers: MedGen CN230736.
Dilated cardiomyopathy 1DD (CMD1DD). Identifiers: Orphanet 154, MedGen C2750995, MONDO:0013168, OMIM 613172.

Submissions (2):

Labcorp Genetics (formerly Invitae), Labcorp
Classification: Uncertain significance for Dilated cardiomyopathy 1DD. Last evaluated: 2025-02-06. Review status: criteria provided, single submitter. Criteria: Invitae Variant Classification Sherloc (09022015). Collection method: clinical testing. Allele origin: germline.
Comment: This sequence change replaces glycine, which is neutral and non-polar, with valine, which is neutral and non-polar, at codon 179 of the RBM20 protein (p.Gly179Val). This variant is present in population databases (no rsID available, gnomAD 0.0005%). This variant has not been reported in the literature in individuals affected with RBM20-related conditions. ClinVar contains an entry for this variant (Variation ID: 1355023). An algorithm developed to predict the effect of missense changes on protein structure and function (PolyPhen-2) suggests that this variant is likely to be disruptive. In summary, the available evidence is currently insufficient to determine the role of this variant in disease. Therefore, it has been classified as a Variant of Uncertain Significance.

Ambry Genetics
Classification: Uncertain significance for Cardiovascular phenotype. Last evaluated: 2019-02-12. Review status: criteria provided, single submitter. Criteria: Ambry Variant Classification Scheme 2023. Collection method: clinical testing. Allele origin: germline.
Comment: The c.536_537delGCinsTT variant (also known as p.G179V), located in coding exon 2of the RBM20 gene, results from an in-frame deletion of XX and insertion of GC and insertion of TT at nucleotide positions 536 to 537. This results in the substitution of the glycine residue for a valine residue at codon 179, an amino acid with dissimilar properties. This amino acid position is not well conserved in available vertebrate species. Since supporting evidence is limited at this time, the clinical significance of this alteration remains unclear.